The following is an entry in ClinVar:

ClinVar aggregate classification (germline): Pathogenic (1 of 4 stars; one submission).

Submission:

Labcorp Genetics (formerly Invitae), Labcorp
Classification: Pathogenic. Last evaluated: 2021-04-24. Review status: criteria provided, single submitter. Criteria: Invitae Variant Classification Sherloc (09022015). Collection method: clinical testing. Allele origin: germline.
Comment: For these reasons, this variant has been classified as Pathogenic. This variant has not been reported in the literature in individuals with CHD3-related conditions. This variant is not present in population databases (ExAC no frequency). This sequence change creates a premature translational stop signal (p.Arg315*) in the CHD3 gene. It is expected to result in an absent or disrupted protein product. Loss-of-function variants in CHD3 are known to be pathogenic (PMID: 30397230).

Literature cited by the submitters: PubMed 30397230.

NM_001005273.3(CHD3):c.766C>T (p.Arg256Ter)

Gene: CHD3 (chromodomain helicase DNA binding protein 3; plus strand). Cytogenetic location: 17p13.1.
Variant type: single nucleotide variant.
Coding change: c.766C>T on transcript NM_001005273.3 (MANE Select); coding-DNA position 766, C replaced by T.
Protein change: p.Arg256Ter; replaces arginine 256 with a stop codon.
Molecular consequence: nonsense.
Genome position (GRCh38, 1-based): chr17:7,893,542, C>T. VCF-style: chr17-7893542-C-T. GRCh37 (hg19) VCF-style: chr17-7796860-C-T.
Other names: c.943C>T, p.Arg315Ter (NM_001005271.3); c.766C>T, p.Arg256Ter (NM_005852.4); short protein forms R256*, R315*.
Identifiers: ClinVar variation 1457659 (VCV001457659.6), dbSNP rs1969196534, ClinGen allele CA397937541.